The following is an entry in ClinVar:

ClinVar aggregate classification (germline): Conflicting classifications of pathogenicity. Review status: criteria provided, conflicting classifications (1 of 4 stars). 2 submissions from 2 submitters: Uncertain significance (1); Likely benign (1). Last evaluated 2026-01-19.

Conditions:
Tumor predisposition syndrome 3 (TPDS3). Also called: Glioma susceptibility 9; LONG TELOMERE SYNDROME, POT1-RELATED; POT1 Tumor Predisposition; Melanoma, cutaneous malignant, susceptibility to, 10. Identifiers: Orphanet 618, MedGen C4014476, MONDO:0014368, OMIM 615848.
Hereditary cancer-predisposing syndrome. Also called: Neoplastic Syndromes, Hereditary; Tumor predisposition; Hereditary Cancer Syndrome; Hereditary neoplastic syndrome. Identifiers: Orphanet 140162, MedGen C0027672, MeSH D009386, MONDO:0015356.

Allele frequency attached by ClinVar (database versions not stated): gnomAD exomes below 0.00001.
gnomAD v4.1: 2 of 1,609,080 alleles (0.00012%); highest among the groups gnomAD compares: Admixed American, 0.0034%; no homozygotes.

Submissions (2):

Labcorp Genetics (formerly Invitae), Labcorp
Classification: Uncertain significance for Tumor predisposition syndrome 3. Last evaluated: 2026-01-19. Review status: criteria provided, single submitter. Criteria: Invitae Variant Classification Sherloc (09022015). Collection method: clinical testing. Allele origin: germline.
Comment: This sequence change replaces glutamine, which is neutral and polar, with glutamic acid, which is acidic and polar, at codon 358 of the POT1 protein (p.Gln358Glu). This variant is present in population databases (no rsID available, gnomAD no frequency). This variant has not been reported in the literature in individuals affected with POT1-related conditions. ClinVar contains an entry for this variant (Variation ID: 937936). Invitae Evidence Modeling of protein sequence and biophysical properties (such as structural, functional, and spatial information, amino acid conservation, physicochemical variation, residue mobility, and thermodynamic stability) indicates that this missense variant is not expected to disrupt POT1 protein function with a negative predictive value of 80%. In summary, the available evidence is currently insufficient to determine the role of this variant in disease. Therefore, it has been classified as a Variant of Uncertain Significance.

Ambry Genetics
Classification: Likely benign for Hereditary cancer-predisposing syndrome. Last evaluated: 2025-06-25. Review status: criteria provided, single submitter. Criteria: Ambry Variant Classification Scheme 2023. Collection method: clinical testing. Allele origin: germline.

NM_015450.3(POT1):c.1072C>G (p.Gln358Glu)

Gene: POT1 (protection of telomeres 1; minus strand). Cytogenetic location: 7q31.33.
Variant type: single nucleotide variant.
Coding change: c.1072C>G on transcript NM_015450.3 (MANE Select); coding-DNA position 1072, C replaced by G.
Protein change: p.Gln358Glu; replaces glutamine 358 with glutamic acid.
Molecular consequence: missense variant. On other transcripts: non-coding transcript variant (3).
Genome position (GRCh38, 1-based): chr7:124,842,898, G>C on the plus strand (C>G on the coding strand, the complement: POT1 is on the minus strand). VCF-style: chr7-124842898-G-C. GRCh37 (hg19) VCF-style: chr7-124482952-G-C.
Other names: c.679C>G, p.Gln227Glu (NM_001042594.2); short protein forms Q358E, Q227E.
Identifiers: ClinVar variation 937936 (VCV000937936.11), dbSNP rs1562981898, ClinGen allele CA369068435.